The following is an entry in ClinVar:

NM_001145358.2(SIN3A):c.3096C>T (p.Ala1032=)

Gene: SIN3A (SIN3 transcription regulator family member A; minus strand). Cytogenetic location: 15q24.2.
Variant type: single nucleotide variant.
Coding change: c.3096C>T on transcript NM_001145358.2 (MANE Select); coding-DNA position 3096, C replaced by T.
Protein change: p.Ala1032=; no amino-acid change (alanine 1032 retained).
Molecular consequence: synonymous variant.
Genome position (GRCh38, 1-based): chr15:75,384,363, G>A on the plus strand (C>T on the coding strand, the complement: SIN3A is on the minus strand). VCF-style: chr15-75384363-G-A. GRCh37 (hg19) VCF-style: chr15-75676704-G-A.
Other names: c.3096C>T, p.Ala1032= (NM_001145357.2, NM_015477.3).
Identifiers: ClinVar variation 2163205 (VCV002163205.8), dbSNP rs750561401, ClinGen allele CA7667337.

ClinVar aggregate classification (germline): Likely benign. Review status: criteria provided, multiple submitters, no conflicts (2 of 4 stars). 2 submissions from 2 submitters: Likely benign (2). Last evaluated 2026-02-01.

Allele frequency attached by ClinVar (database versions not stated): ExAC 0.00002; gnomAD exomes 0.00002; gnomAD 0.00003; TOPMed 0.00011.
gnomAD v4.1: 40 of 1,613,494 alleles (0.0025%); highest among the groups gnomAD compares: Admixed American, 0.047%; no homozygotes.

Submissions (2):

CeGaT Center for Human Genetics Tuebingen
Classification: Likely benign. Last evaluated: 2026-02-01. Review status: criteria provided, single submitter. Criteria: CeGaT Center For Human Genetics Tuebingen Variant Classification Criteria Version 2. Collection method: clinical testing. Allele origin: germline. Affected: yes. Observed: 1 variant allele.
Comment: SIN3A: BP4

Labcorp Genetics (formerly Invitae), Labcorp
Classification: Likely benign. Last evaluated: 2025-07-30. Review status: criteria provided, single submitter. Criteria: Invitae Variant Classification Sherloc (09022015). Collection method: clinical testing. Allele origin: germline.